The following is an entry in ClinVar:

NM_001098.3(ACO2):c.1255G>C (p.Gly419Arg)

Gene: ACO2 (aconitase 2; plus strand). Cytogenetic location: 22q13.2.
Variant type: single nucleotide variant.
Coding change: c.1255G>C on transcript NM_001098.3 (MANE Select); coding-DNA position 1255, G replaced by C.
Protein change: p.Gly419Arg; replaces glycine 419 with arginine.
Molecular consequence: missense variant.
Genome position (GRCh38, 1-based): chr22:41,522,946, G>C. VCF-style: chr22-41522946-G-C. GRCh37 (hg19) VCF-style: chr22-41918950-G-C.
Other names: short protein forms G419R.
Identifiers: ClinVar variation 1427238 (VCV001427238.8), dbSNP rs2146134896, ClinGen allele CA411725058.
Genomic context (GRCh38, chr22:41,522,946, plus strand): 5'-GTGGCCAAGCAGGCACTGGCCCATGGCCTCAAGTGCAAGTCCCAGTTCACCATCACTCCA[G>C]GTTCCGAGCAGATCCGCGCCACCATTGAGCGGGACGGCTATGTGAGTGCCCATATCCCCC-3'
Protein context (NP_001089.1, residues 409-429): KCKSQFTITP[Gly419Arg]SEQIRATIER

ClinVar aggregate classification (germline): Uncertain significance (1 of 4 stars; one submission).

Submission:

Labcorp Genetics (formerly Invitae), Labcorp
Classification: Uncertain significance. Last evaluated: 2023-12-19. Review status: criteria provided, single submitter. Criteria: Invitae Variant Classification Sherloc (09022015). Collection method: clinical testing. Allele origin: germline.
Comment: This sequence change replaces glycine, which is neutral and non-polar, with arginine, which is basic and polar, at codon 419 of the ACO2 protein (p.Gly419Arg). This variant is not present in population databases (gnomAD no frequency). This variant has not been reported in the literature in individuals affected with ACO2-related conditions. ClinVar contains an entry for this variant (Variation ID: 1427238). Advanced modeling of protein sequence and biophysical properties (such as structural, functional, and spatial information, amino acid conservation, physicochemical variation, residue mobility, and thermodynamic stability) performed at Invitae indicates that this missense variant is expected to disrupt ACO2 protein function with a positive predictive value of 80%. In summary, the available evidence is currently insufficient to determine the role of this variant in disease. Therefore, it has been classified as a Variant of Uncertain Significance.